The following is an entry in ClinVar:

NM_032776.3(JMJD1C):c.1133G>C (p.Ser378Thr)

Gene: JMJD1C (jumonji domain containing 1C; minus strand). Cytogenetic location: 10q21.3.
Variant type: single nucleotide variant.
Coding change: c.1133G>C on transcript NM_032776.3 (MANE Select); coding-DNA position 1133, G replaced by C.
Protein change: p.Ser378Thr; replaces serine 378 with threonine.
Molecular consequence: missense variant. On other transcripts: non-coding transcript variant (1).
Genome position (GRCh38, 1-based): chr10:63,215,034, C>G on the plus strand (G>C on the coding strand, the complement: JMJD1C is on the minus strand). VCF-style: chr10-63215034-C-G. GRCh37 (hg19) VCF-style: chr10-64974794-C-G.
Other names: c.587G>C, p.Ser196Thr (NM_001282948.2, NM_001318154.2); c.269G>C, p.Ser90Thr (NM_001318153.2); c.1019G>C, p.Ser340Thr (NM_001322252.2); c.476G>C, p.Ser159Thr (NM_001322254.2, NM_001322258.2); short protein forms S378T, S196T, S159T, S340T, S90T.
Identifiers: ClinVar variation 529703 (VCV000529703.8), dbSNP rs1554840969, ClinGen allele CA377050490.

ClinVar aggregate classification (germline): Uncertain significance (1 of 4 stars; one submission).

Conditions:
Early Myoclonic Encephalopathy. Identifiers: MedGen C0270855.

Allele frequency attached by ClinVar (database versions not stated): TOPMed below 0.00001.

Submission:

Labcorp Genetics (formerly Invitae), Labcorp
Classification: Uncertain significance for Early Myoclonic Encephalopathy. Last evaluated: 2022-12-02. Review status: criteria provided, single submitter. Criteria: Invitae Variant Classification Sherloc (09022015). Collection method: clinical testing. Allele origin: germline.
Comment: This variant is not present in population databases (gnomAD no frequency). In summary, the available evidence is currently insufficient to determine the role of this variant in disease. Therefore, it has been classified as a Variant of Uncertain Significance. Advanced modeling of protein sequence and biophysical properties (such as structural, functional, and spatial information, amino acid conservation, physicochemical variation, residue mobility, and thermodynamic stability) performed at Invitae indicates that this missense variant is expected to disrupt JMJD1C protein function. ClinVar contains an entry for this variant (Variation ID: 529703). This variant has not been reported in the literature in individuals affected with JMJD1C-related conditions. This sequence change replaces serine, which is neutral and polar, with threonine, which is neutral and polar, at codon 378 of the JMJD1C protein (p.Ser378Thr).